The following is an entry in ClinVar:

NM_000125.4(ESR1):c.1095A>G (p.Pro365=)

Gene: ESR1 (estrogen receptor 1; plus strand). Cytogenetic location: 6q25.1.
Variant type: single nucleotide variant.
Coding change: c.1095A>G on transcript NM_000125.4 (MANE Select); coding-DNA position 1095, A replaced by G.
Protein change: p.Pro365=; no amino-acid change (proline 365 retained).
Molecular consequence: synonymous variant.
Genome position (GRCh38, 1-based): chr6:151,944,507, A>G. VCF-style: chr6-151944507-A-G. GRCh37 (hg19) VCF-style: chr6-152265642-A-G.
Other names: c.1095A>G, p.Pro365= (NM_001122740.2, NM_001122741.2, NM_001122742.2 and 5 more transcripts); c.1101A>G, p.Pro367= (NM_001291230.2); c.1092A>G, p.Pro364= (NM_001291241.2); c.576A>G, p.Pro192= (NM_001328100.2).
Identifiers: ClinVar variation 1698054 (VCV001698054.2), dbSNP rs756964907, ClinGen allele CA4052356.

ClinVar aggregate classification (germline): Uncertain significance (1 of 4 stars; one submission).

Allele frequency attached by ClinVar (database versions not stated): gnomAD exomes 0.00001; ExAC 0.00002.
gnomAD v4.1: 11 of 1,614,132 alleles (0.00068%); highest among the groups gnomAD compares: South Asian, 0.011%; no homozygotes.

Submission:

GeneDx
Classification: Uncertain significance. Last evaluated: 2022-01-20. Review status: criteria provided, single submitter. Criteria: GeneDx Variant Classification Process June 2021. Collection method: clinical testing. Allele origin: germline. Affected: yes.
Comment: In silico analysis supports that this variant does not alter splicing; Has not been previously published as pathogenic or benign to our knowledge